The following is an entry in ClinVar:

NM_001167.4(XIAP):c.609TGG[1] (p.Gly205del)

Gene: XIAP (X-linked inhibitor of apoptosis; plus strand). Cytogenetic location: Xq25.
Variant type: Microsatellite.
Coding change: c.609TGG[1] on transcript NM_001167.4 (MANE Select); one copy of the 3-base unit TGG starting at c.609; the reference has two copies in a row; one copy, 3 bases deleted; also written c.612_614del.
Protein change: p.Gly205del; deletes glycine 205.
Molecular consequence: inframe deletion.
Genome position (GRCh38, 1-based): chrX:123,886,274-123,886,276, TGG deleted; deleting any 3 consecutive bases within chrX:123,886,270-123,886,276 gives the same sequence; the position shown is the placement nearest the transcript's 3' end. VCF-style (leftmost placement, unchanged base first): chrX-123886269-TGTG-T. GRCh37 (hg19) VCF-style: chrX-123020119-TGTG-T.
Other names: c.612_614del (NM_001167.3); c.609TGG[1], p.Gly205del (NM_001204401.2, NM_001378590.1, NM_001378591.1 and 1 more transcripts); short protein forms G205del.
Identifiers: ClinVar variation 1479537 (VCV001479537.7), dbSNP rs2148089962, ClinGen allele CA2580612474.

ClinVar aggregate classification (germline): Pathogenic/Likely pathogenic. Review status: criteria provided, multiple submitters, no conflicts (2 of 4 stars). 2 submissions from 2 submitters: Pathogenic (1); Likely pathogenic (1). Last evaluated 2025-04-10.

Conditions:
X-linked lymphoproliferative disease due to XIAP deficiency. Also called: XIAP-Related Lymphoproliferative Disease, X-Linked; XIAP DEFICIENCY. Identifiers: Orphanet 2442, Orphanet 538934, MedGen C1845076, MONDO:0010385, OMIM 300635.

Submissions (2):

GeneDx
Classification: Likely pathogenic. Last evaluated: 2025-04-10. Review status: criteria provided, single submitter. Criteria: GeneDx Variant Classification Process June 2021. Collection method: clinical testing. Allele origin: germline. Affected: yes.
Comment: Published functional studies suggest a damaging effect with loss of Zinc binding and poor coordination between the resulting protein and RIP2 proteins (PMID: 33460440); In-frame deletion of 1 amino acid(s) in a non-repeat region; Not observed at significant frequency in large population cohorts (gnomAD); In silico analysis indicates that this variant does not alter protein structure/function; This variant is associated with the following publications: (PMID: 37851074, 33460440, 32627096, 34920033)

Labcorp Genetics (formerly Invitae), Labcorp
Classification: Pathogenic for X-linked lymphoproliferative disease due to XIAP deficiency. Last evaluated: 2023-07-28. Review status: criteria provided, single submitter. Criteria: Invitae Variant Classification Sherloc (09022015). Collection method: clinical testing. Allele origin: germline.
Comment: This variant is not present in population databases (gnomAD no frequency). For these reasons, this variant has been classified as Pathogenic. Experimental studies have shown that this variant affects XIAP function (PMID: 33460440). Algorithms developed to predict the effect of variants on protein structure and function are not available or were not evaluated for this variant. This variant is also known as c.608_610delGTG. This variant has been observed in individual(s) with XIAP-related conditions (PMID: 32627096, 33460440; Invitae). In at least one individual the variant was observed to be de novo. This variant, c.612_614del, results in the deletion of 1 amino acid(s) of the XIAP protein (p.Gly205del), but otherwise preserves the integrity of the reading frame.

Literature cited by the submitters: PubMed 33460440 (cited by Labcorp Genetics (formerly Invitae), Labcorp); PubMed 32627096 (cited by Labcorp Genetics (formerly Invitae), Labcorp).